The following is an entry in ClinVar:

ClinVar aggregate classification (germline): Uncertain significance (1 of 4 stars; one submission).

Conditions:
Developmental and epileptic encephalopathy 94 (DEE94). Also called: Epileptic encephalopathy, childhood-onset; CHD2-Related Neurodevelopmental Disorders. Identifiers: Orphanet 1942, Orphanet 2382, MedGen C3809278, MONDO:0014150, OMIM 615369.

Allele frequency attached by ClinVar (database versions not stated): gnomAD 0.00001.
gnomAD v4.1: 1 of 1,614,076 alleles (0.000062%); highest among the groups gnomAD compares: African/African-American, 0.0013%; no homozygotes.

Submission:

Labcorp Genetics (formerly Invitae), Labcorp
Classification: Uncertain significance for Developmental and epileptic encephalopathy 94. Last evaluated: 2022-02-05. Review status: criteria provided, single submitter. Criteria: Invitae Variant Classification Sherloc (09022015). Collection method: clinical testing. Allele origin: germline.
Comment: This variant is present in population databases (no rsID available, gnomAD 0.01%). In summary, the available evidence is currently insufficient to determine the role of this variant in disease. Therefore, it has been classified as a Variant of Uncertain Significance. Advanced modeling of protein sequence and biophysical properties (such as structural, functional, and spatial information, amino acid conservation, physicochemical variation, residue mobility, and thermodynamic stability) performed at Invitae indicates that this missense variant is not expected to disrupt CHD2 protein function. ClinVar contains an entry for this variant (Variation ID: 943774). This variant has not been reported in the literature in individuals affected with CHD2-related conditions. This sequence change replaces glutamine, which is neutral and polar, with proline, which is neutral and non-polar, at codon 1604 of the CHD2 protein (p.Gln1604Pro).

NM_001271.4(CHD2):c.4811A>C (p.Gln1604Pro)

Gene: CHD2 (chromodomain helicase DNA binding protein 2; plus strand). Cytogenetic location: 15q26.1.
Variant type: single nucleotide variant.
Coding change: c.4811A>C on transcript NM_001271.4 (MANE Select); coding-DNA position 4811, A replaced by C.
Protein change: p.Gln1604Pro; replaces glutamine 1604 with proline.
Molecular consequence: missense variant.
Genome position (GRCh38, 1-based): chr15:93,014,814, A>C. VCF-style: chr15-93014814-A-C. GRCh37 (hg19) VCF-style: chr15-93558044-A-C.
Other names: short protein forms Q1604P.
Identifiers: ClinVar variation 943774 (VCV000943774.10), dbSNP rs1355095407, ClinGen allele CA393906740.